The following is an entry in ClinVar:

ClinVar aggregate classification (germline): Uncertain significance (1 of 4 stars; one submission).

gnomAD v4.1: 1 of 1,613,758 alleles (0.000062%); highest among the groups gnomAD compares: Non-Finnish European, 0.000085%; no homozygotes.

Submission:

Labcorp Genetics (formerly Invitae), Labcorp
Classification: Uncertain significance. Last evaluated: 2024-06-10. Review status: criteria provided, single submitter. Criteria: Invitae Variant Classification Sherloc (09022015). Collection method: clinical testing. Allele origin: germline.
Comment: This sequence change replaces serine, which is neutral and polar, with cysteine, which is neutral and slightly polar, at codon 406 of the RAI1 protein (p.Ser406Cys). This variant is not present in population databases (gnomAD no frequency). This variant has not been reported in the literature in individuals affected with RAI1-related conditions. Advanced modeling of protein sequence and biophysical properties (such as structural, functional, and spatial information, amino acid conservation, physicochemical variation, residue mobility, and thermodynamic stability) performed at Invitae indicates that this missense variant is expected to disrupt RAI1 protein function with a positive predictive value of 80%. In summary, the available evidence is currently insufficient to determine the role of this variant in disease. Therefore, it has been classified as a Variant of Uncertain Significance.

NM_030665.4(RAI1):c.1217C>G (p.Ser406Cys)

Gene: RAI1 (retinoic acid induced 1; plus strand). Cytogenetic location: 17p11.2.
Variant type: single nucleotide variant.
Coding change: c.1217C>G on transcript NM_030665.4 (MANE Select); coding-DNA position 1217, C replaced by G.
Protein change: p.Ser406Cys; replaces serine 406 with cysteine.
Molecular consequence: missense variant.
Genome position (GRCh38, 1-based): chr17:17,794,165, C>G. VCF-style: chr17-17794165-C-G. GRCh37 (hg19) VCF-style: chr17-17697479-C-G.
Other names: short protein forms S406C.
Identifiers: ClinVar variation 3672540 (VCV003672540.2).